The following is an entry in ClinVar:

ClinVar aggregate classification (germline): Uncertain significance (1 of 4 stars; one submission).

Conditions:
Glycogen storage disease, type V (GSD5). Also called: MCARDLE DISEASE; MUSCLE GLYCOGEN PHOSPHORYLASE DEFICIENCY; MYOPHOSPHORYLASE DEFICIENCY; PYGM DEFICIENCY; McArdle type glycogen storage disease. Identifiers: Orphanet 368, MedGen C0017924, MONDO:0009293, OMIM 232600.

Allele frequency attached by ClinVar (database versions not stated): gnomAD 0.00001; gnomAD exomes 0.00001; TOPMed 0.00001.
gnomAD v4.1: 16 of 1,614,060 alleles (0.00099%); highest among the groups gnomAD compares: African/African-American, 0.0013%; no homozygotes.

Submission:

Labcorp Genetics (formerly Invitae), Labcorp
Classification: Uncertain significance for Glycogen storage disease, type V. Last evaluated: 2022-04-20. Review status: criteria provided, single submitter. Criteria: Invitae Variant Classification Sherloc (09022015). Collection method: clinical testing. Allele origin: germline.
Comment: This sequence change replaces serine, which is neutral and polar, with alanine, which is neutral and non-polar, at codon 514 of the PYGM protein (p.Ser514Ala). This variant is present in population databases (no rsID available, gnomAD 0.004%). This variant has not been reported in the literature in individuals affected with PYGM-related conditions. Algorithms developed to predict the effect of missense changes on protein structure and function output the following: SIFT: "Not Available"; PolyPhen-2: "Benign"; Align-GVGD: "Not Available". The alanine amino acid residue is found in multiple mammalian species, which suggests that this missense change does not adversely affect protein function. In summary, the available evidence is currently insufficient to determine the role of this variant in disease. Therefore, it has been classified as a Variant of Uncertain Significance.

NM_005609.4(PYGM):c.1540T>G (p.Ser514Ala)

Gene: PYGM (glycogen phosphorylase, muscle associated; minus strand). Cytogenetic location: 11q13.1.
Variant type: single nucleotide variant.
Coding change: c.1540T>G on transcript NM_005609.4 (MANE Select); coding-DNA position 1540, T replaced by G.
Protein change: p.Ser514Ala; replaces serine 514 with alanine.
Molecular consequence: missense variant.
Genome position (GRCh38, 1-based): chr11:64,752,483, A>C on the plus strand (T>G on the coding strand, the complement: PYGM is on the minus strand). VCF-style: chr11-64752483-A-C. GRCh37 (hg19) VCF-style: chr11-64519955-A-C.
Other names: c.1276T>G, p.Ser426Ala (NM_001164716.1); short protein forms S426A, S514A.
Identifiers: ClinVar variation 1414407 (VCV001414407.5), dbSNP rs1287109702, ClinGen allele CA381174014.